The following is an entry in ClinVar:

ClinVar aggregate classification (germline): Uncertain significance (1 of 4 stars; one submission).

Conditions:
Spastic paraplegia. Identifiers: MedGen C0037772, HP:0001258.

Allele frequency attached by ClinVar (database versions not stated): gnomAD exomes below 0.00001.
gnomAD v4.1: 2 of 1,613,934 alleles (0.00012%); highest among the groups gnomAD compares: Non-Finnish European, 0.00017%; no homozygotes.

Submission:

Labcorp Genetics (formerly Invitae), Labcorp
Classification: Uncertain significance for Spastic paraplegia. Last evaluated: 2023-01-01. Review status: criteria provided, single submitter. Criteria: Invitae Variant Classification Sherloc (09022015). Collection method: clinical testing. Allele origin: germline.
Comment: This variant has not been reported in the literature in individuals affected with KIF5A-related conditions. Advanced modeling of protein sequence and biophysical properties (such as structural, functional, and spatial information, amino acid conservation, physicochemical variation, residue mobility, and thermodynamic stability) performed at Invitae indicates that this missense variant is not expected to disrupt KIF5A protein function. In summary, the available evidence is currently insufficient to determine the role of this variant in disease. Therefore, it has been classified as a Variant of Uncertain Significance. This variant is not present in population databases (gnomAD no frequency). This sequence change replaces threonine, which is neutral and polar, with isoleucine, which is neutral and non-polar, at codon 1029 of the KIF5A protein (p.Thr1029Ile).

NM_004984.4(KIF5A):c.3086C>T (p.Thr1029Ile)

Gene: KIF5A (kinesin family member 5A; plus strand). Cytogenetic location: 12q13.3.
Variant type: single nucleotide variant.
Coding change: c.3086C>T on transcript NM_004984.4 (MANE Select); coding-DNA position 3086, C replaced by T.
Protein change: p.Thr1029Ile; replaces threonine 1029 with isoleucine.
Molecular consequence: missense variant.
Genome position (GRCh38, 1-based): chr12:57,583,166, C>T. VCF-style: chr12-57583166-C-T. GRCh37 (hg19) VCF-style: chr12-57976949-C-T.
Other names: c.2819C>T, p.Thr940Ile (NM_001354705.2); short protein forms T1029I, T940I.
Identifiers: ClinVar variation 2995414 (VCV002995414.3), dbSNP rs2540517973, ClinGen allele CA385517691.